The following is an entry in ClinVar:

NM_001253697.2(ERBIN):c.2951G>C (p.Ser984Thr)

Gene: ERBIN (erbb2 interacting protein; plus strand). Cytogenetic location: 5q12.3.
Variant type: single nucleotide variant.
Coding change: c.2951G>C on transcript NM_001253697.2 (MANE Select); coding-DNA position 2951, G replaced by C.
Protein change: p.Ser984Thr; replaces serine 984 with threonine.
Molecular consequence: missense variant.
Genome position (GRCh38, 1-based): chr5:66,054,269, G>C. VCF-style: chr5-66054269-G-C. GRCh37 (hg19) VCF-style: chr5-65350097-G-C.
Other names: c.2951G>C, p.Ser984Thr (NM_001006600.3, NM_001253698.2, NM_001253699.2 and 1 more transcripts); c.2939G>C, p.Ser980Thr (NM_001253701.2); short protein forms S980T, S984T.
Identifiers: ClinVar variation 1476179 (VCV001476179.8), dbSNP rs921539028, ClinGen allele CA119868300.

ClinVar aggregate classification (germline): Uncertain significance (1 of 4 stars; one submission).

Allele frequency attached by ClinVar (database versions not stated): gnomAD exomes 0.00001.
gnomAD v4.1: 12 of 1,614,152 alleles (0.00074%); highest among the groups gnomAD compares: Non-Finnish European, 0.00093%; no homozygotes.

Submission:

Labcorp Genetics (formerly Invitae), Labcorp
Classification: Uncertain significance. Last evaluated: 2023-09-08. Review status: criteria provided, single submitter. Criteria: Invitae Variant Classification Sherloc (09022015). Collection method: clinical testing. Allele origin: germline.
Comment: In summary, the available evidence is currently insufficient to determine the role of this variant in disease. Therefore, it has been classified as a Variant of Uncertain Significance. An algorithm developed to predict the effect of missense changes on protein structure and function (PolyPhen-2) suggests that this variant is likely to be tolerated. ClinVar contains an entry for this variant (Variation ID: 1476179). This variant has not been reported in the literature in individuals affected with ERBIN-related conditions. This variant is present in population databases (no rsID available, gnomAD 0.003%). This sequence change replaces serine, which is neutral and polar, with threonine, which is neutral and polar, at codon 984 of the ERBIN protein (p.Ser984Thr).